The following is an entry in ClinVar:

ClinVar aggregate classification (germline): Uncertain significance (1 of 4 stars; one submission).

Conditions:
Hereditary cancer-predisposing syndrome. Also called: Neoplastic Syndromes, Hereditary; Tumor predisposition; Hereditary Cancer Syndrome; Hereditary neoplastic syndrome. Identifiers: Orphanet 140162, MedGen C0027672, MeSH D009386, MONDO:0015356.

Submission:

Ambry Genetics
Classification: Uncertain significance for Hereditary cancer-predisposing syndrome. Last evaluated: 2020-12-01. Review status: criteria provided, single submitter. Criteria: Ambry Variant Classification Scheme 2023. Collection method: clinical testing. Allele origin: germline.
Comment: The p.R63S variant (also known as c.189A>T), located in coding exon 2 of the NTHL1 gene, results from an A to T substitution at nucleotide position 189. The arginine at codon 63 is replaced by serine, an amino acid with dissimilar properties. This amino acid position is not well conserved in available vertebrate species, and serine is the reference amino acid in other vertebrate species. In addition, this alteration is predicted to be tolerated by in silico analysis. Since supporting evidence is limited at this time, the clinical significance of this alteration remains unclear.

NM_002528.7(NTHL1):c.165A>T (p.Arg55Ser)

Gene: NTHL1 (nth like DNA glycosylase 1; minus strand). Cytogenetic location: 16p13.3.
Variant type: single nucleotide variant.
Coding change: c.165A>T on transcript NM_002528.7 (MANE Select); coding-DNA position 165, A replaced by T.
Protein change: p.Arg55Ser; replaces arginine 55 with serine.
Molecular consequence: missense variant. On other transcripts: 5 prime UTR variant (1).
Genome position (GRCh38, 1-based): chr16:2,046,317, T>A on the plus strand (A>T on the coding strand, the complement: NTHL1 is on the minus strand). VCF-style: chr16-2046317-T-A. GRCh37 (hg19) VCF-style: chr16-2096318-T-A.
Other names: c.165A>T, p.Arg55Ser (NM_001318193.2); c.-14A>T (NM_001318194.2); short protein forms R55S.
Identifiers: ClinVar variation 1782230 (VCV001782230.2), dbSNP rs2548321290, ClinGen allele CA394297905.
Genomic context (GRCh38, chr16:2,046,317, plus strand): 5'-CTTGAGGGGCTCAGCCCCCTCACCTTTCTCACTGTCCGAGCCCTCATAGGCCACACGCAG[T>A]CTCTGTGCTTTCCGCGGACGCTTCACGGGGCTGTGGCTTTTCCTCGCTTCTGCAAAAAGC-3'
Protein context (NP_002519.2, residues 45-65): SPVKRPRKAQ[Arg55Ser]LRVAYEGSDS